The following is an entry in ClinVar:

ClinVar aggregate classification (germline): Likely pathogenic (1 of 4 stars; one submission).

Conditions:
Duchenne muscular dystrophy (DMD). Also called: Duchenne Muscular Dystrophy (DMD); MUSCULAR DYSTROPHY, PSEUDOHYPERTROPHIC PROGRESSIVE, DUCHENNE TYPE. Identifiers: Orphanet 98896, MedGen C0013264, MONDO:0010679, OMIM 310200.

Submission:

Labcorp Genetics (formerly Invitae), Labcorp
Classification: Likely pathogenic for Duchenne muscular dystrophy. Last evaluated: 2021-10-30. Review status: criteria provided, single submitter. Criteria: Invitae Variant Classification Sherloc (09022015). Collection method: clinical testing. Allele origin: germline.
Comment: In summary, the currently available evidence indicates that the variant is pathogenic, but additional data are needed to prove that conclusively. Therefore, this variant has been classified as Likely Pathogenic. This variant has not been reported in the literature in individuals affected with DMD-related conditions. This variant results in the deletion of part of exon 44 (c.6319_6438+101231del) of the DMD gene. It is expected to disrupt RNA splicing. Variants that disrupt the donor or acceptor splice site typically lead to a loss of protein function (PMID: 16199547), and loss-of-function variants in DMD are known to be pathogenic (PMID: 16770791, 25007885).

Literature cited by the submitters: PubMed 16199547; PubMed 16770791; PubMed 25007885.

NC_000023.10:g.(?_32133802)_(32235152_?)del

Gene: DMD (dystrophin; minus strand). Cytogenetic location: Xp21.1.
Variant type: Deletion.
Identifiers: ClinVar variation 2424998 (VCV002424998.5).